The following is an entry in ClinVar:

NM_012120.3(CD2AP):c.1879-66T>C

Gene: CD2AP (CD2 associated protein; plus strand). Cytogenetic location: 6p12.3.
Variant type: single nucleotide variant.
Coding change: c.1879-66T>C on transcript NM_012120.3 (MANE Select); 66 bases into the intron before coding-DNA position 1879, T replaced by C.
Molecular consequence: intron variant.
Genome position (GRCh38, 1-based): chr6:47,624,120, T>C. VCF-style: chr6-47624120-T-C. GRCh37 (hg19) VCF-style: chr6-47591856-T-C.
Identifiers: ClinVar variation 1246022 (VCV001246022.4), dbSNP rs10948368, ClinGen allele CA15456820.
Genomic context (GRCh38, chr6:47,624,120, plus strand): 5'-GGATTTTAGGTCTGGAAAAAAAGTCTGAAGGCTTGAAAGTATGATCACATCTTAATGACA[T>C]AGAGTAAAATAAACTACTAAACTAAGGATATTTTATGTTTGCTCAATTTATGTTTTTTGT-3'

ClinVar aggregate classification (germline): Benign. Review status: criteria provided, multiple submitters, no conflicts (2 of 4 stars). 2 submissions from 2 submitters: Benign (2). Last evaluated 2024-07-15.

Allele frequency attached by ClinVar (database versions not stated): 1000 Genomes Project 30x 0.25781; ESP Exome Variant Server 0.33311; gnomAD exomes 0.39074; 1000 Genomes Project 0.26058; TOPMed 0.29436.
gnomAD v4.1: 462,919 of 1,216,956 alleles (38%); highest among the groups gnomAD compares: Middle Eastern, 49%; 93,257 homozygotes.

Submissions (2):

Unidad de Genómica Garrahan, Hospital de Pediatría Garrahan
Classification: Benign. Last evaluated: 2024-07-15. Review status: criteria provided, single submitter. Criteria: ACMG Guidelines, 2015. Collection method: clinical testing. Allele origin: germline. Affected: no. Observed: 47 variant alleles.
Comment: This variant is classified as Benign based on local population frequency. This variant was detected in 51% of patients studied in a panel designed for Epileptic and Developmental Encephalopathy and Progressive Myoclonus Epilepsy. Number of patients: 47. Only high quality variants are reported.

GeneDx
Classification: Benign. Last evaluated: 2018-11-10. Review status: criteria provided, single submitter. Criteria: GeneDx Variant Classification Process June 2021. Collection method: clinical testing. Allele origin: germline. Affected: yes.